The following is an entry in ClinVar:

ClinVar aggregate classification (germline): Likely benign. Review status: criteria provided, single submitter (1 of 4 stars). 2 submissions from 2 submitters: Likely benign (1). 1 of the submissions does not count toward it. Last evaluated 2023-02-01.

Conditions:
BSN-related disorder. Also called: BSN-related condition.

Allele frequency attached by ClinVar (database versions not stated): 1000 Genomes Project 0.00020; 1000 Genomes Project 30x 0.00031; ESP Exome Variant Server 0.00123.
gnomAD v4.1: 2,942 of 1,613,370 alleles (0.18%); highest among the groups gnomAD compares: Non-Finnish European, 0.21%; 5 homozygotes.

Submissions (2):

CeGaT Center for Human Genetics Tuebingen
Classification: Likely benign. Last evaluated: 2023-02-01. Review status: criteria provided, single submitter. Criteria: CeGaT Center For Human Genetics Tuebingen Variant Classification Criteria Version 2. Collection method: clinical testing. Allele origin: germline. Affected: yes. Observed: 2 variant alleles.
Comment: BSN: BP4, BP7

PreventionGenetics, part of Exact Sciences
Classification: Likely benign for BSN-related condition. Last evaluated: 2019-03-29. Review status: no assertion criteria provided. Collection method: clinical testing. Allele origin: germline. Not counted in ClinVar's aggregate classification.
Comment: This variant is classified as likely benign based on ACMG/AMP sequence variant interpretation guidelines (Richards et al. 2015 PMID: 25741868, with internal and published modifications).

NM_003458.4(BSN):c.1158C>T (p.Ile386=)

Gene: BSN (bassoon presynaptic cytomatrix protein; plus strand). Cytogenetic location: 3p21.31.
Variant type: single nucleotide variant.
Coding change: c.1158C>T on transcript NM_003458.4 (MANE Select); coding-DNA position 1158, C replaced by T.
Protein change: p.Ile386=; no amino-acid change (isoleucine 386 retained).
Molecular consequence: synonymous variant.
Genome position (GRCh38, 1-based): chr3:49,642,792, C>T. VCF-style: chr3-49642792-C-T. GRCh37 (hg19) VCF-style: chr3-49680225-C-T.
Other names: c.1158C>T (NM_003458.3).
Identifiers: ClinVar variation 2653833 (VCV002653833.25), dbSNP rs71324983, ClinGen allele CA2399537.